The following is an entry in ClinVar:

ClinVar aggregate classification (germline): Pathogenic (1 of 4 stars; one submission).

Conditions:
Lafora disease. Also called: Epilepsy progressive myoclonic 2. Identifiers: Orphanet 501, MedGen C0751783, MONDO:0009697.

Submission:

Baylor Genetics
Classification: Pathogenic for Myoclonic epilepsy of Lafora 1. Last evaluated: 2020-02-28. Review status: criteria provided, single submitter. Criteria: ACMG Guidelines, 2015. Collection method: clinical testing. Allele origin: unknown. Affected: yes.
Comment: This variant was determined to be pathogenic according to ACMG Guidelines, 2015 [PMID:25741868].

NM_198586.3(NHLRC1):c.368G>A (p.Trp123Ter)

Gene: NHLRC1 (NHL repeat containing E3 ubiquitin protein ligase 1; minus strand). Cytogenetic location: 6p22.3.
Variant type: single nucleotide variant.
Coding change: c.368G>A on transcript NM_198586.3 (MANE Select); coding-DNA position 368, G replaced by A.
Protein change: p.Trp123Ter; replaces tryptophan 123 with a stop codon.
Molecular consequence: nonsense.
Genome position (GRCh38, 1-based): chr6:18,122,239, C>T on the plus strand (G>A on the coding strand, the complement: NHLRC1 is on the minus strand). VCF-style: chr6-18122239-C-T. GRCh37 (hg19) VCF-style: chr6-18122470-C-T.
Other names: short protein forms W123*.
Identifiers: ClinVar variation 1029356 (VCV001029356.1), dbSNP rs1783750860, ClinGen allele CA362828655.